The following is an entry in ClinVar:

NM_006231.4(POLE):c.5401G>T (p.Gly1801Cys)

Gene: POLE (DNA polymerase epsilon, catalytic subunit; minus strand). Cytogenetic location: 12q24.33.
Variant type: single nucleotide variant.
Coding change: c.5401G>T on transcript NM_006231.4 (MANE Select); coding-DNA position 5401, G replaced by T.
Protein change: p.Gly1801Cys; replaces glycine 1801 with cysteine.
Molecular consequence: missense variant.
Genome position (GRCh38, 1-based): chr12:132,639,276, C>A on the plus strand (G>T on the coding strand, the complement: POLE is on the minus strand). VCF-style: chr12-132639276-C-A. GRCh37 (hg19) VCF-style: chr12-133215862-C-A.
Other names: c.5401G>T (NM_006231.2); short protein forms G1801C.
Identifiers: ClinVar variation 569807 (VCV000569807.9), dbSNP rs1447287662, ClinGen allele CA387375065.

ClinVar aggregate classification (germline): Uncertain significance. Review status: criteria provided, multiple submitters, no conflicts (2 of 4 stars). 2 submissions from 2 submitters: Uncertain significance (2). Last evaluated 2026-08-28.

Conditions:
Hereditary cancer-predisposing syndrome. Also called: Neoplastic Syndromes, Hereditary; Hereditary Cancer Syndrome; Hereditary neoplastic syndrome; Tumor predisposition. Identifiers: Orphanet 140162, MedGen C0027672, MeSH D009386, MONDO:0015356.

Allele frequency attached by ClinVar (database versions not stated): gnomAD exomes below 0.00001.

Submissions (2):

Ambry Genetics
Classification: Uncertain significance for Hereditary cancer-predisposing syndrome. Last evaluated: 2026-08-28. Review status: criteria provided, single submitter. Criteria: Ambry Variant Classification Scheme 2023. Collection method: clinical testing. Allele origin: germline.
Comment: The p.G1801C variant (also known as c.5401G>T), located in coding exon 40 of the POLE gene, results from a G to T substitution at nucleotide position 5401. The glycine at codon 1801 is replaced by cysteine, an amino acid with highly dissimilar properties. This amino acid position is conserved. In addition, the in silico prediction for this alteration is inconclusive. Based on the available evidence, the clinical significance of this variant remains unclear.

Labcorp Genetics (formerly Invitae), Labcorp
Classification: Uncertain significance. Last evaluated: 2023-10-20. Review status: criteria provided, single submitter. Criteria: Invitae Variant Classification Sherloc (09022015). Collection method: clinical testing. Allele origin: germline.
Comment: This sequence change replaces glycine, which is neutral and non-polar, with cysteine, which is neutral and slightly polar, at codon 1801 of the POLE protein (p.Gly1801Cys). This variant is present in population databases (no rsID available, gnomAD 0.003%). This variant has not been reported in the literature in individuals affected with POLE-related conditions. ClinVar contains an entry for this variant (Variation ID: 569807). Advanced modeling of protein sequence and biophysical properties (such as structural, functional, and spatial information, amino acid conservation, physicochemical variation, residue mobility, and thermodynamic stability) performed at Invitae indicates that this missense variant is not expected to disrupt POLE protein function. In summary, the available evidence is currently insufficient to determine the role of this variant in disease. Therefore, it has been classified as a Variant of Uncertain Significance.